The following is an entry in ClinVar:

NM_181507.2(HPS5):c.2951+5G>C

Gene: HPS5 (HPS5 biogenesis of lysosomal organelles complex 2 subunit 2; minus strand). Cytogenetic location: 11p15.1.
Variant type: single nucleotide variant.
Coding change: c.2951+5G>C on transcript NM_181507.2 (MANE Select); 5 bases into the intron after coding-DNA position 2951, G replaced by C.
Molecular consequence: intron variant.
Genome position (GRCh38, 1-based): chr11:18,285,341, C>G on the plus strand (G>C on the coding strand, the complement: HPS5 is on the minus strand). VCF-style: chr11-18285341-C-G. GRCh37 (hg19) VCF-style: chr11-18306888-C-G.
Other names: c.2609+5G>C (NM_001440921.1, NM_001440926.1, NM_001440925.1 and 6 more transcripts); c.2840+5G>C (NM_001440915.1, NM_001440914.1, NM_001440913.1); c.2951+5G>C (NM_001440902.1, NM_001440904.1, NM_001440906.1 and 2 more transcripts); c.2765+5G>C (NM_001440918.1); c.2876+5G>C (NM_001440908.1, NM_001440907.1, NM_001440909.1); c.2537+5G>C (NM_001440928.1, NM_001440927.1, NM_001440929.1); c.2738+5G>C (NM_001440919.1); c.2831+5G>C (NM_001440916.1); and 3 more.
Identifiers: ClinVar variation 2848632 (VCV002848632.3), dbSNP rs1183994418, ClinGen allele CA2739276313.
Genomic context (GRCh38, chr11:18,285,341, plus strand): 5'-ACTATAAAGTTGTTAACTGAAATGTTTCTAACCTTAACTTCAGTTTCTAAAAAATTCTCA[C>G]TTACCCACAAGACCTGCAGATGTCTGTCATTTTCTCTTTGGTTATAAAATCTGCAGGAAG-3'

ClinVar aggregate classification (germline): Uncertain significance (1 of 4 stars; one submission).

Submission:

Labcorp Genetics (formerly Invitae), Labcorp
Classification: Uncertain significance. Last evaluated: 2023-10-05. Review status: criteria provided, single submitter. Criteria: Invitae Variant Classification Sherloc (09022015). Collection method: clinical testing. Allele origin: germline.
Comment: This sequence change falls in intron 20 of the HPS5 gene. It does not directly change the encoded amino acid sequence of the HPS5 protein. It affects a nucleotide within the consensus splice site. This variant is not present in population databases (gnomAD no frequency). This variant has not been reported in the literature in individuals affected with HPS5-related conditions. Variants that disrupt the consensus splice site are a relatively common cause of aberrant splicing (PMID: 17576681, 9536098). Algorithms developed to predict the effect of sequence changes on RNA splicing suggest that this variant may disrupt the consensus splice site. In summary, the available evidence is currently insufficient to determine the role of this variant in disease. Therefore, it has been classified as a Variant of Uncertain Significance.

Literature cited by the submitters: PubMed 17576681; PubMed 9536098.